The following is an entry in ClinVar:

ClinVar aggregate classification (germline): Likely pathogenic (1 of 4 stars; one submission).

Submission:

Labcorp Genetics (formerly Invitae), Labcorp
Classification: Likely pathogenic. Last evaluated: 2025-12-01. Review status: criteria provided, single submitter. Criteria: Invitae Variant Classification Sherloc (09022015). Collection method: clinical testing. Allele origin: germline.
Comment: This sequence change affects an acceptor splice site in intron 8 of the SLC2A9 gene. It is expected to disrupt RNA splicing. Variants that disrupt the donor or acceptor splice site typically lead to a loss of protein function (PMID: 16199547), and loss-of-function variants in SLC2A9 are known to be pathogenic (PMID: 19926891, 21256783, 21536615, 24628802). This variant is not present in population databases (gnomAD no frequency). This variant has not been reported in the literature in individuals affected with SLC2A9-related conditions. Algorithms developed to predict the effect of sequence changes on RNA splicing suggest that this variant may disrupt the consensus splice site. In summary, the currently available evidence indicates that the variant is pathogenic, but additional data are needed to prove that conclusively. Therefore, this variant has been classified as Likely Pathogenic.

Literature cited by the submitters: PubMed 16199547; PubMed 19926891; PubMed 21256783; PubMed 21536615; PubMed 24628802.

NM_020041.3(SLC2A9):c.1114-2A>C

Gene: SLC2A9 (solute carrier family 2 member 9; minus strand). Cytogenetic location: 4p16.1.
Variant type: single nucleotide variant.
Coding change: c.1114-2A>C on transcript NM_020041.3 (MANE Select); the canonical splice acceptor site of the intron before coding-DNA position 1114, A replaced by C.
Molecular consequence: splice acceptor variant.
Genome position (GRCh38, 1-based): chr4:9,890,713, T>G on the plus strand (A>C on the coding strand, the complement: SLC2A9 is on the minus strand). VCF-style: chr4-9890713-T-G. GRCh37 (hg19) VCF-style: chr4-9892337-T-G.
Other names: c.1027-2A>C (NM_001001290.2).
Identifiers: ClinVar variation 4731956 (VCV004731956.1).